The following is an entry in ClinVar:

NM_000092.5(COL4A4):c.818G>T (p.Gly273Val)

Gene: COL4A4 (collagen type IV alpha 4 chain; minus strand). Cytogenetic location: 2q36.3.
Variant type: single nucleotide variant.
Coding change: c.818G>T on transcript NM_000092.5 (MANE Select); coding-DNA position 818, G replaced by T.
Protein change: p.Gly273Val; replaces glycine 273 with valine.
Molecular consequence: missense variant.
Genome position (GRCh38, 1-based): chr2:227,103,196, C>A on the plus strand (G>T on the coding strand, the complement: COL4A4 is on the minus strand). VCF-style: chr2-227103196-C-A. GRCh37 (hg19) VCF-style: chr2-227967912-C-A.
Other names: short protein forms G273V.
Identifiers: ClinVar variation 1962852 (VCV001962852.7), dbSNP rs2475607537, ClinGen allele CA350857836.

ClinVar aggregate classification (germline): Uncertain significance. Review status: criteria provided, multiple submitters, no conflicts (2 of 4 stars). 3 submissions from 3 submitters: Uncertain significance (3). Last evaluated 2025-07-23.

Conditions:
Autosomal recessive Alport syndrome (ATS2). Also called: COL4A4 Alport Syndrome and Thin Basement Membrane Nephropathy; ALPORT SYNDROME 2, AUTOSOMAL RECESSIVE; COL4A3-Related Nephropathy; Alport syndrome type 2. Identifiers: Orphanet 63, Orphanet 88919, MedGen C4746745, MONDO:0008762, OMIM 203780.

Submissions (3):

Clinical Genomics Laboratory, Washington University in St. Louis
Classification: Uncertain significance for Autosomal recessive Alport syndrome. Last evaluated: 2025-07-23. Review status: criteria provided, single submitter. Criteria: ACMG Guidelines, 2015. Collection method: clinical testing. Allele origin: germline.
Comment: The COL4A4 c.818G>T (p.Gly273Val) variant, to our knowledge, has not been reported in the medical literature but has been reported in the ClinVar database as a germline variant of uncertain significance by two submitters. This variant is absent from the general population (gnomAD v.2.1.1), indicating it is not a common variant. This variant disrupts a glycine residue in a Gly-X-Y motif in the triple helical region of the COL4A4 gene, where most pathogenic missense variants occur (Jais JP et al., PMID: 10752524) and computational predictors indicate that the variant is damaging, evidence that correlates with impact to COL4A4 function. Due to limited information, and based on ACMG/AMP guidelines for variant interpretation (Richards S et al., PMID: 25741868), the clinical significance of this variant is uncertain at this time.

Women's Health and Genetics/Laboratory Corporation of America, LabCorp
Classification: Uncertain significance. Last evaluated: 2025-06-27. Review status: criteria provided, single submitter. Criteria: LabCorp Variant Classification Summary - May 2015. Collection method: clinical testing. Allele origin: germline.
Comment: Variant summary: COL4A4 c.818G>T (p.Gly273Val) results in a non-conservative amino acid change in the encoded protein sequence. Algorithms developed to predict the effect of missense changes on protein structure and function all suggest that this variant is likely to be disruptive. The variant was absent in 248652 control chromosomes. The available data on variant occurrences in the general population are insufficient to allow any conclusion about variant significance. To our knowledge, no occurrence of c.818G>T in individuals affected with Alport Syndrome, Autosomal Recessive and no experimental evidence demonstrating its impact on protein function have been reported. ClinVar contains an entry for this variant (Variation ID: 1962852). Based on the evidence outlined above, the variant was classified as uncertain significance.

Labcorp Genetics (formerly Invitae), Labcorp
Classification: Uncertain significance. Last evaluated: 2023-03-01. Review status: criteria provided, single submitter. Criteria: Invitae Variant Classification Sherloc (09022015). Collection method: clinical testing. Allele origin: germline.
Comment: In summary, the available evidence is currently insufficient to determine the role of this variant in disease. Therefore, it has been classified as a Variant of Uncertain Significance. This sequence change replaces glycine, which is neutral and non-polar, with valine, which is neutral and non-polar, at codon 273 of the COL4A4 protein (p.Gly273Val). This variant is not present in population databases (gnomAD no frequency). This variant has not been reported in the literature in individuals affected with COL4A4-related conditions. ClinVar contains an entry for this variant (Variation ID: 1962852). An algorithm developed to predict the effect of missense changes on protein structure and function (PolyPhen-2) suggests that this variant is likely to be disruptive.